The following is an entry in ClinVar:

NM_020987.5(ANK3):c.2583T>G (p.Ser861Arg)

Gene: ANK3 (ankyrin 3; minus strand). Cytogenetic location: 10q21.2.
Variant type: single nucleotide variant.
Coding change: c.2583T>G on transcript NM_020987.5 (MANE Select); coding-DNA position 2583, T replaced by G.
Protein change: p.Ser861Arg; replaces serine 861 with arginine.
Molecular consequence: missense variant.
Genome position (GRCh38, 1-based): chr10:60,166,622, A>C on the plus strand (T>G on the coding strand, the complement: ANK3 is on the minus strand). VCF-style: chr10-60166622-A-C. GRCh37 (hg19) VCF-style: chr10-61926380-A-C.
Other names: c.2565T>G, p.Ser855Arg (NM_001204403.2); c.2532T>G, p.Ser844Arg (NM_001204404.2); c.2583T>G, p.Ser861Arg (NM_001320874.2); short protein forms S844R, S855R, S861R.
Identifiers: ClinVar variation 3764204 (VCV003764204.1).
Genomic context (GRCh38, chr10:60,166,622, plus strand): 5'-GTTTCATCACAATAAAAATTTACAAATACCTTCTTCAACATCTGAGATATATTCGCCATC[A>C]CTGAGCATTTCAGGGGCATTGGCTTTACGAACTGCATGATTGAAGTGAACAATATAAGTG-3'
Protein context (NP_066267.2, residues 851-871): VRKANAPEML[Ser861Arg]DGEYISDVEE

ClinVar aggregate classification (germline): Uncertain significance (1 of 4 stars; one submission).

gnomAD v4.1: 24 of 1,613,782 alleles (0.0015%); highest among the groups gnomAD compares: East Asian, 0.0022%; no homozygotes.

Submission:

GeneDx
Classification: Uncertain significance. Last evaluated: 2024-08-24. Review status: criteria provided, single submitter. Criteria: GeneDx Variant Classification Process June 2021. Collection method: clinical testing. Allele origin: germline. Affected: yes.
Comment: In silico analysis supports that this missense variant does not alter protein structure/function; Has not been previously published as pathogenic or benign to our knowledge